The following is an entry in ClinVar:

NM_016239.4(MYO15A):c.9532T>C (p.Cys3178Arg)

Gene: MYO15A (myosin XVA; plus strand). Cytogenetic location: 17p11.2.
Variant type: single nucleotide variant.
Coding change: c.9532T>C on transcript NM_016239.4 (MANE Select); coding-DNA position 9532, T replaced by C.
Protein change: p.Cys3178Arg; replaces cysteine 3178 with arginine.
Molecular consequence: missense variant.
Genome position (GRCh38, 1-based): chr17:18,162,599, T>C. VCF-style: chr17-18162599-T-C. GRCh37 (hg19) VCF-style: chr17-18065913-T-C.
Other names: c.9532T>C (NM_016239.3); short protein forms C3178R.
Identifiers: ClinVar variation 1301980 (VCV001301980.3), dbSNP rs2046792650, ClinGen allele CA398637989.

ClinVar aggregate classification (germline): Uncertain significance. Review status: criteria provided, multiple submitters, no conflicts (2 of 4 stars). 3 submissions from 3 submitters: Uncertain significance (2). 1 of the submissions does not count toward it. Last evaluated 2017-10-17.

Conditions:
MYO15A-related disorder. Also called: MYO15A-related condition.
Autosomal recessive nonsyndromic hearing loss 3. Also called: NEUROSENSORY NONSYNDROMIC RECESSIVE DEAFNESS 3. Identifiers: Orphanet 90636, MedGen C1838263, MONDO:0010860, OMIM 600316.

Allele frequency attached by ClinVar (database versions not stated): gnomAD exomes below 0.00001; TOPMed below 0.00001.

Submissions (3):

Blueprint Genetics
Classification: Uncertain significance. Last evaluated: 2017-10-17. Review status: criteria provided, single submitter. Criteria: ACMG Guidelines, 2015. Collection method: clinical testing. Allele origin: germline.

Molecular Diagnosis Center for Deafness
Classification: Uncertain significance for Autosomal recessive nonsyndromic hearing loss 3. Review status: criteria provided, single submitter. Criteria: ClinGen HL ACMG Specifications v1. Collection method: clinical testing. Allele origin: maternal. Observed: 2 variant alleles.

PreventionGenetics, part of Exact Sciences
Classification: Uncertain significance for MYO15A-related condition. Last evaluated: 2024-07-05. Review status: no assertion criteria provided. Collection method: clinical testing. Allele origin: germline. Not counted in ClinVar's aggregate classification.
Comment: The MYO15A c.9532T>C variant is predicted to result in the amino acid substitution p.Cys3178Arg. This variant was reported in the compound heterozygous state with another missense variant in an individual with non-syndromic hearing loss (Fu et al. 2022. PubMed ID: 35346193). This variant has not been reported in a large population database, indicating this variant is rare. At this time, the clinical significance of this variant is uncertain due to the absence of conclusive functional and genetic evidence.